The following is an entry in ClinVar:

NM_001918.5(DBT):c.555+276C>A

Gene: DBT (dihydrolipoamide branched chain transacylase E2; minus strand). Cytogenetic location: 1p21.2.
Variant type: single nucleotide variant.
Coding change: c.555+276C>A on transcript NM_001918.5 (MANE Select); 276 bases into the intron after coding-DNA position 555, C replaced by A.
Molecular consequence: intron variant.
Genome position (GRCh38, 1-based): chr1:100,218,350, G>T on the plus strand (C>A on the coding strand, the complement: DBT is on the minus strand). VCF-style: chr1-100218350-G-T. GRCh37 (hg19) VCF-style: chr1-100683906-G-T.
Identifiers: ClinVar variation 681220 (VCV000681220.1), dbSNP rs6577158, ClinGen allele CA15146332.

ClinVar aggregate classification (germline): Benign (1 of 4 stars; one submission).

Allele frequency attached by ClinVar (database versions not stated): TOPMed 0.73834; gnomAD 0.74259 and 0.75295; 1000 Genomes Project 30x 0.75375; 1000 Genomes Project 0.76398.
gnomAD v4.1: 114,670 of 152,126 alleles (75%); highest among the groups gnomAD compares: East Asian, 95%; 45,800 homozygotes.

Submission:

GeneDx
Classification: Benign. Last evaluated: 2018-06-14. Review status: criteria provided, single submitter. Criteria: GeneDx Variant Classification (06012015). Collection method: clinical testing. Allele origin: germline. Affected: yes.
Comment: This variant is considered likely benign or benign based on one or more of the following criteria: it is a conservative change, it occurs at a poorly conserved position in the protein, it is predicted to be benign by multiple in silico algorithms, and/or has population frequency not consistent with disease.